The following is an entry in ClinVar:

NM_001040108.2(MLH3):c.4178G>A (p.Cys1393Tyr)

Gene: MLH3 (mutL homolog 3; minus strand). Cytogenetic location: 14q24.3.
Variant type: single nucleotide variant.
Coding change: c.4178G>A on transcript NM_001040108.2 (MANE Select); coding-DNA position 4178, G replaced by A.
Protein change: p.Cys1393Tyr; replaces cysteine 1393 with tyrosine.
Molecular consequence: missense variant.
Genome position (GRCh38, 1-based): chr14:75,018,893, C>T on the plus strand (G>A on the coding strand, the complement: MLH3 is on the minus strand). VCF-style: chr14-75018893-C-T. GRCh37 (hg19) VCF-style: chr14-75485596-C-T.
Other names: c.4106G>A, p.Cys1369Tyr (NM_014381.3); short protein forms C1369Y, C1393Y.
Identifiers: ClinVar variation 3396622 (VCV003396622.1).

ClinVar aggregate classification (germline): Uncertain significance (1 of 4 stars; one submission).

Submission:

Ambry Genetics
Classification: Uncertain significance. Last evaluated: 2024-07-23. Review status: criteria provided, single submitter. Criteria: Ambry Variant Classification Scheme 2023. Collection method: clinical testing. Allele origin: germline.
Comment: The p.C1393Y variant (also known as c.4178G>A), located in coding exon 11 of the MLH3 gene, results from a G to A substitution at nucleotide position 4178. The cysteine at codon 1393 is replaced by tyrosine, an amino acid with highly dissimilar properties. This amino acid position is conserved. In addition, this alteration is predicted to be deleterious by in silico analysis. Based on the available evidence, the clinical significance of this variant remains unclear.